The following is an entry in ClinVar:

ClinVar aggregate classification (germline): Benign (1 of 4 stars; one submission).

Conditions:
Jalili syndrome. Also called: CONE-ROD DYSTROPHY AND AMELOGENESIS IMPERFECTA. Identifiers: Orphanet 1873, MedGen C3495589, MONDO:0009007, OMIM 217080.

Allele frequency attached by ClinVar (database versions not stated): gnomAD exomes 0.00259; gnomAD 0.02918 and 0.03121; 1000 Genomes Project 0.03654; TOPMed 0.03224; 1000 Genomes Project 30x 0.04091.
gnomAD v4.1: 4,381 of 152,300 alleles (2.9%); highest among the groups gnomAD compares: African/African-American, 10%; 213 homozygotes.

Submission:

Illumina Laboratory Services, Illumina
Classification: Benign for Jalili syndrome. Last evaluated: 2018-01-13. Review status: criteria provided, single submitter. Criteria: ICSL Variant Classification Criteria 13 December 2019. Collection method: clinical testing. Allele origin: germline.
Comment: This variant was observed in the ICSL laboratory as part of a predisposition screen in an ostensibly healthy population. It had not been previously curated by ICSL or reported in the Human Gene Mutation Database (HGMD: prior to June 1st, 2018), and was therefore a candidate for classification through an automated scoring system. Utilizing variant allele frequency, disease prevalence and penetrance estimates, and inheritance mode, an automated score was calculated to assess if this variant is too frequent to cause the disease. Based on the score and internal cut-off values, a variant classified as benign is not then subjected to further curation. The score for this variant resulted in a classification of benign for this disease.

NM_020184.4(CNNM4):c.*1990T>A

Gene: CNNM4 (cyclin and CBS domain divalent metal cation transport mediator 4; plus strand). Cytogenetic location: 2q11.2.
Variant type: single nucleotide variant.
Coding change: c.*1990T>A on transcript NM_020184.4 (MANE Select); 1990 bases downstream of the stop codon, T replaced by A.
Molecular consequence: 3 prime UTR variant.
Genome position (GRCh38, 1-based): chr2:96,811,507, T>A. VCF-style: chr2-96811507-T-A. GRCh37 (hg19) VCF-style: chr2-97477244-T-A.
Identifiers: ClinVar variation 337617 (VCV000337617.5), dbSNP rs7585552, ClinGen allele CA10616475.
Genomic context (GRCh38, chr2:96,811,507, plus strand): 5'-ACCAACTGGCTGGCCCTCCTCCTCTTCCCTGGCCCATTGATCATCCCTTCTCACAGAGGG[T>A]CATCATTATTTCCAAATATTGTTTGTCTGATGACTTCCTCTTCCCAGTGCAATTTTTCCC-3'